The following is an entry in ClinVar:

ClinVar aggregate classification (germline): Uncertain significance (1 of 4 stars; one submission).

Conditions:
Hereditary cancer-predisposing syndrome. Also called: Neoplastic Syndromes, Hereditary; Tumor predisposition; Hereditary Cancer Syndrome; Hereditary neoplastic syndrome. Identifiers: Orphanet 140162, MedGen C0027672, MeSH D009386, MONDO:0015356.

Submission:

Labcorp Genetics (formerly Invitae), Labcorp
Classification: Uncertain significance for Hereditary cancer-predisposing syndrome. Last evaluated: 2020-04-22. Review status: criteria provided, single submitter. Criteria: Invitae Variant Classification Sherloc (09022015). Collection method: clinical testing. Allele origin: germline.
Comment: This sequence change replaces threonine with isoleucine at codon 1234 of the RAD50 protein (p.Thr1234Ile). The threonine residue is highly conserved and there is a moderate physicochemical difference between threonine and isoleucine. This variant is not present in population databases (ExAC no frequency). This variant has not been reported in the literature in individuals with RAD50-related conditions. Algorithms developed to predict the effect of missense changes on protein structure and function are either unavailable or do not agree on the potential impact of this missense change (SIFT: "Deleterious"; PolyPhen-2: "Probably Damaging"; Align-GVGD: "Class C0"). In summary, the available evidence is currently insufficient to determine the role of this variant in disease. Therefore, it has been classified as a Variant of Uncertain Significance.

NM_005732.4(RAD50):c.3701C>T (p.Thr1234Ile)

Genes: TH2-LCR (Th2 cytokine locus control region; plus strand), TH2LCRR (T helper type 2 locus control region associated RNA; minus strand), RAD50 (RAD50 double strand break repair protein; plus strand). Cytogenetic location: 5q31.1.
Variant type: single nucleotide variant.
Coding change: c.3701C>T on transcript NM_005732.4 (MANE Select); coding-DNA position 3701, C replaced by T.
Protein change: p.Thr1234Ile; replaces threonine 1234 with isoleucine.
Molecular consequence: missense variant.
Genome position (GRCh38, 1-based): chr5:132,640,754, C>T. VCF-style: chr5-132640754-C-T. GRCh37 (hg19) VCF-style: chr5-131976446-C-T.
Other names: short protein forms T1234I.
Identifiers: ClinVar variation 1001269 (VCV001001269.9), dbSNP rs1751701483, ClinGen allele CA360934534.
Genomic context (GRCh38, chr5:132,640,754, plus strand): 5'-GCCTGGCCCTGGCTGAAACGTTCTGCCTCAACTGTGGCATCATTGCCTTGGATGAGCCAA[C>T]AACAAATCTTGACCGAGAAAACATTGAATCTCTTGCACATGCTCTGGTTGAGTAAGTATC-3'
Protein context (NP_005723.2, residues 1224-1244): NCGIIALDEP[Thr1234Ile]TNLDRENIES